The following is an entry in ClinVar:

NC_012920.1(MT-RNR2):m.3010G>A

Gene: MT-RNR2 (mitochondrially encoded 16S RNA; plus strand).
Variant type: single nucleotide variant.
Genome position: chrM-3010-G-A.
Identifiers: ClinVar variation 441149 (VCV000441149.3), dbSNP rs3928306, ClinGen allele CA337096419.

ClinVar aggregate classification (germline): Likely benign (1 of 4 stars; one submission).

Submission:

Laboratory of Genetics, Children's Clinical University Hospital Latvia
Classification: Likely benign. Last evaluated: 2025-02-16. Review status: criteria provided, single submitter. Criteria: ACMG Guidelines, 2015. Collection method: clinical testing. Allele origin: germline. Affected: yes.